The following is an entry in ClinVar:

ClinVar aggregate classification (germline): Uncertain significance. Review status: criteria provided, multiple submitters, no conflicts (2 of 4 stars). 7 submissions from 2 submitters: Uncertain significance (7). Last evaluated 2025-02-02.

Conditions:
Scapuloperoneal spinal muscular atrophy (SPSMA). Also called: Scapuloperoneal Spinal Muscular Atrophy, TRPV4-Related; AMYOTROPHY, NEUROGENIC SCAPULOPERONEAL, NEW ENGLAND TYPE; Scapuloperoneal Form of Spinal Muscular Atrophy; Scapuloperoneal spinal muscular atrophy, autosomal dominant. Identifiers: Orphanet 431255, MedGen C0751335, MONDO:0008408, OMIM 181405.
Charcot-Marie-Tooth disease axonal type 2C (HMSN2C). Also called: Charcot-Marie-Tooth Disease Type 2, TRPV4-Related (CMT2C); CHARCOT-MARIE-TOOTH DISEASE, AXONAL, AUTOSOMAL DOMINANT, TYPE 2C; Charcot-Marie-Tooth Neuropathy Type 2C. Identifiers: Orphanet 99937, MedGen C1853710, MONDO:0011633, OMIM 606071.
Metatropic dysplasia (MTD). Also called: Metatropic Dysplasia, TRPV4-Related; METATROPIC DWARFISM; Metatropic dysplasia, nonlethal dominant. Identifiers: Orphanet 2635, MedGen C0265281, MONDO:0007986, OMIM 156530.
Spondylometaphyseal dysplasia, Kozlowski type (SMDK). Also called: Dysmorphism arthrogryposis skeletal maturation advanced; Jequier-Kozlowski syndrome; Skeletal dysplasia Jequier-Kozlowski type; SMD Kozlowski type; Spondylometaphyseal Dysplasia, TRPV4-Related (Kozlowski Type). Identifiers: Orphanet 93314, MedGen C0265280, MONDO:0008477, OMIM 184252.
Neuronopathy, distal hereditary motor, autosomal dominant 8. Also called: Autosomal dominant congenital benign spinal muscular atrophy; SPINAL MUSCULAR ATROPHY, CONGENITAL BENIGN, WITH CONTRACTURES; NEURONOPATHY, DISTAL HEREDITARY MOTOR, TYPE VIII; NEUROPATHY, DISTAL HEREDITARY MOTOR, TYPE VIII. Identifiers: Orphanet 1216, MedGen C1838492, MONDO:0010839, OMIM 600175.
Brachyrachia (short spine dysplasia) (BCYM3). Also called: BRACHYRACHIA; Autosomal dominant brachyolmia; Brachyolmia, TRPV4-Related; Brachyolmia Type 3. Identifiers: Orphanet 93304, MedGen C0432227, MONDO:0007232, OMIM 113500.

Allele frequency attached by ClinVar (database versions not stated): gnomAD exomes below 0.00001; ExAC 0.00001; gnomAD 0.00001; TOPMed 0.00002.
gnomAD v4.1: 7 of 1,614,060 alleles (0.00043%); highest among the groups gnomAD compares: South Asian, 0.0011%; no homozygotes.

Submissions (7):

Labcorp Genetics (formerly Invitae), Labcorp
Classification: Uncertain significance for Charcot-Marie-Tooth disease axonal type 2C. Last evaluated: 2025-02-02. Review status: criteria provided, single submitter. Criteria: Invitae Variant Classification Sherloc (09022015). Collection method: clinical testing. Allele origin: germline.
Comment: This sequence change replaces aspartic acid, which is acidic and polar, with asparagine, which is neutral and polar, at codon 208 of the TRPV4 protein (p.Asp208Asn). This variant is present in population databases (rs769445973, gnomAD 0.003%). This variant has not been reported in the literature in individuals affected with TRPV4-related conditions. ClinVar contains an entry for this variant (Variation ID: 307139). Invitae Evidence Modeling of protein sequence and biophysical properties (such as structural, functional, and spatial information, amino acid conservation, physicochemical variation, residue mobility, and thermodynamic stability) indicates that this missense variant is not expected to disrupt TRPV4 protein function with a negative predictive value of 95%. In summary, the available evidence is currently insufficient to determine the role of this variant in disease. Therefore, it has been classified as a Variant of Uncertain Significance.

Illumina Laboratory Services, Illumina
Classification: Uncertain significance for Charcot-Marie-Tooth disease axonal type 2C. Last evaluated: 2018-01-13. Review status: criteria provided, single submitter. Criteria: ICSL Variant Classification Criteria 13 December 2019. Collection method: clinical testing. Allele origin: germline.

Illumina Laboratory Services, Illumina
Classification: Uncertain significance for Neuronopathy, distal hereditary motor, autosomal dominant 8. Last evaluated: 2018-01-13. Review status: criteria provided, single submitter. Criteria: ICSL Variant Classification Criteria 13 December 2019. Collection method: clinical testing. Allele origin: germline.

Illumina Laboratory Services, Illumina
Classification: Uncertain significance for Spondylometaphyseal dysplasia, Kozlowski type. Last evaluated: 2018-01-13. Review status: criteria provided, single submitter. Criteria: ICSL Variant Classification Criteria 13 December 2019. Collection method: clinical testing. Allele origin: germline.

Illumina Laboratory Services, Illumina
Classification: Uncertain significance for Metatropic dysplasia. Last evaluated: 2018-01-13. Review status: criteria provided, single submitter. Criteria: ICSL Variant Classification Criteria 13 December 2019. Collection method: clinical testing. Allele origin: germline.

Illumina Laboratory Services, Illumina
Classification: Uncertain significance for Scapuloperoneal spinal muscular atrophy. Last evaluated: 2018-01-13. Review status: criteria provided, single submitter. Criteria: ICSL Variant Classification Criteria 13 December 2019. Collection method: clinical testing. Allele origin: germline.

Illumina Laboratory Services, Illumina
Classification: Uncertain significance for Brachyrachia (short spine dysplasia). Last evaluated: 2018-01-13. Review status: criteria provided, single submitter. Criteria: ICSL Variant Classification Criteria 13 December 2019. Collection method: clinical testing. Allele origin: germline.

NM_021625.5(TRPV4):c.622G>A (p.Asp208Asn)

Gene: TRPV4 (transient receptor potential cation channel subfamily V member 4; minus strand). Cytogenetic location: 12q24.11.
Variant type: single nucleotide variant.
Coding change: c.622G>A on transcript NM_021625.5 (MANE Select); coding-DNA position 622, G replaced by A.
Protein change: p.Asp208Asn; replaces aspartic acid 208 with asparagine.
Molecular consequence: missense variant.
Genome position (GRCh38, 1-based): chr12:109,803,081, C>T on the plus strand (G>A on the coding strand, the complement: TRPV4 is on the minus strand). VCF-style: chr12-109803081-C-T. GRCh37 (hg19) VCF-style: chr12-110240886-C-T.
Other names: c.622G>A, p.Asp208Asn (NM_001177428.2, NM_001177433.2, NM_147204.3); c.520G>A, p.Asp174Asn (NM_001177431.2); short protein forms D208N, D174N.
Identifiers: ClinVar variation 307139 (VCV000307139.12), dbSNP rs769445973, ClinGen allele CA6780491.